The following is an entry in ClinVar:

ClinVar aggregate classification (germline): Uncertain significance (1 of 4 stars; one submission).

Allele frequency attached by ClinVar (database versions not stated): gnomAD exomes below 0.00001; gnomAD 0.00001; TOPMed 0.00001 and 0.00002; ExAC 0.00001.
gnomAD v4.1: 3 of 1,614,034 alleles (0.00019%); highest among the groups gnomAD compares: African/African-American, 0.004%; no homozygotes.

Submission:

Laboratory for Molecular Medicine, Mass General Brigham Personalized Medicine
Classification: Uncertain significance. Last evaluated: 2012-12-19. Review status: criteria provided, single submitter. Criteria: LMM Criteria. Collection method: clinical testing. Allele origin: germline. Observed: 1 variant allele.
Comment: The Arg18Ile variant in DFNB59 has not been reported in the literature nor previ ously identified by our laboratory. Computational analyses (biochemical amino ac id properties, conservation, AlignGVGD, PolyPhen2, and SIFT) suggest that the Ar g18Ile variant may impact the protein, though this information is not predictive enough to determine pathogenicity. In summary, additional information is needed to fully assess the clinical significance of the Arg18Ile variant.

NM_001042702.5(PJVK):c.53G>T (p.Arg18Ile)

Gene: PJVK (pejvakin; plus strand). Cytogenetic location: 2q31.2.
Variant type: single nucleotide variant.
Coding change: c.53G>T on transcript NM_001042702.5 (MANE Select); coding-DNA position 53, G replaced by T.
Protein change: p.Arg18Ile; replaces arginine 18 with isoleucine.
Molecular consequence: missense variant. On other transcripts: 5 prime UTR variant (1), intron variant (1).
Genome position (GRCh38, 1-based): chr2:178,453,462, G>T. VCF-style: chr2-178453462-G-T. GRCh37 (hg19) VCF-style: chr2-179318189-G-T.
Other names: c.62G>T, p.Arg21Ile (NM_001353775.2); c.158G>T, p.Arg53Ile (NM_001353776.2); c.-425G>T (NM_001353778.2); c.53G>T, p.Arg18Ile (NM_001369912.1); c.-334-91G>T (NM_001353777.1); short protein forms R18I, R21I, R53I.
Identifiers: ClinVar variation 43869 (VCV000043869.4), dbSNP rs397516555, ClinGen allele CA133060.